The following is an entry in ClinVar:

ClinVar aggregate classification (germline): Likely benign (1 of 4 stars; one submission).

gnomAD v4.1: 287 of 1,613,636 alleles (0.018%); highest among the groups gnomAD compares: Non-Finnish European, 0.023%; no homozygotes.

Submission:

CeGaT Center for Human Genetics Tuebingen
Classification: Likely benign. Last evaluated: 2026-08-01. Review status: criteria provided, single submitter. Criteria: CeGaT Center For Human Genetics Tuebingen Variant Classification Criteria Version 2. Collection method: clinical testing. Allele origin: germline. Affected: yes. Observed: 2 variant alleles.
Comment: DLG4: PP2, BP4, BS2

NM_001321075.3(DLG4):c.1784C>T (p.Ala595Val)

Gene: DLG4 (discs large MAGUK scaffold protein 4; minus strand). Cytogenetic location: 17p13.1.
Variant type: single nucleotide variant.
Coding change: c.1784C>T on transcript NM_001321075.3 (MANE Select); coding-DNA position 1784, C replaced by T.
Protein change: p.Ala595Val; replaces alanine 595 with valine.
Molecular consequence: missense variant. On other transcripts: non-coding transcript variant (1).
Genome position (GRCh38, 1-based): chr17:7,193,027, G>A on the plus strand (C>T on the coding strand, the complement: DLG4 is on the minus strand). VCF-style: chr17-7193027-G-A. GRCh37 (hg19) VCF-style: chr17-7096346-G-A.
Other names: c.1775C>T, p.Ala592Val (NM_001128827.4); c.1904C>T, p.Ala635Val (NM_001321074.1); c.1604C>T, p.Ala535Val (NM_001321076.3, NM_001321077.3); c.1913C>T, p.Ala638Val (NM_001365.5); c.1703C>T, p.Ala568Val (NM_001369566.3); short protein forms A535V, A568V, A592V, A595V, A635V, A638V.
Identifiers: ClinVar variation 4872582 (VCV004872582.2).